The following is an entry in ClinVar:

NM_001376.5(DYNC1H1):c.12868G>A (p.Gly4290Arg)

Gene: DYNC1H1 (dynein cytoplasmic 1 heavy chain 1; plus strand). Cytogenetic location: 14q32.31.
Variant type: single nucleotide variant.
Coding change: c.12868G>A on transcript NM_001376.5 (MANE Select); coding-DNA position 12868, G replaced by A.
Protein change: p.Gly4290Arg; replaces glycine 4290 with arginine.
Molecular consequence: missense variant.
Genome position (GRCh38, 1-based): chr14:102,044,457, G>A. VCF-style: chr14-102044457-G-A. GRCh37 (hg19) VCF-style: chr14-102510794-G-A.
Other names: short protein forms G4290R.
Identifiers: ClinVar variation 954242 (VCV000954242.11), dbSNP rs748643448, ClinGen allele CA7354051.

ClinVar aggregate classification (germline): Conflicting classifications of pathogenicity. Review status: criteria provided, conflicting classifications (1 of 4 stars). 4 submissions from 4 submitters: Uncertain significance (3); Likely benign (1). Last evaluated 2025-03-17.

Conditions:
DYNC1H1-related disorder. Also called: DYNC1H1-related condition; DYNC1H1-related disorders. Identifiers: MedGen CN381529.
Charcot-Marie-Tooth disease axonal type 2O. Also called: CHARCOT-MARIE-TOOTH NEUROPATHY, AXONAL, TYPE 2O; CHARCOT-MARIE-TOOTH DISEASE, AXONAL, AUTOSOMAL DOMINANT, TYPE 2O; Charcot-Marie-Tooth Neuropathy Type 2O; Charcot-Marie-Tooth disease, axonal, type 20. Identifiers: Orphanet 284232, MedGen C3280220, MONDO:0013644, OMIM 614228.

Allele frequency attached by ClinVar (database versions not stated): ExAC 0.00001; gnomAD exomes 0.00001; gnomAD 0.00004; TOPMed 0.00005.
gnomAD v4.1: 17 of 1,614,074 alleles (0.0011%); highest among the groups gnomAD compares: African/African-American, 0.008%; no homozygotes.

Submissions (4):

PreventionGenetics, part of Exact Sciences
Classification: Uncertain significance for DYNC1H1-related condition. Last evaluated: 2025-03-17. Review status: criteria provided, single submitter. Criteria: ACMG Guidelines, 2015. Collection method: clinical testing. Allele origin: germline.
Comment: The DYNC1H1 c.12868G>A variant is predicted to result in the amino acid substitution p.Gly4290Arg. To our knowledge, this variant has not been reported in the literature. A different nucleotide change that results in this same amino acid (c.12868G>C, p.Gly4290Arg) has been reported with a second DYNC1H1 in a patient with amyotrophic lateral sclerosis (Supp. Table 2, Tripolszki et al. 2019. PubMed ID: 31475037). This variant is reported in 0.0065% of alleles in individuals of South Asian descent in gnomAD. At this time, the clinical significance of this variant is uncertain due to the absence of conclusive functional and genetic evidence.

Labcorp Genetics (formerly Invitae), Labcorp
Classification: Likely benign for Charcot-Marie-Tooth disease axonal type 2O. Last evaluated: 2025-01-08. Review status: criteria provided, single submitter. Criteria: Invitae Variant Classification Sherloc (09022015). Collection method: clinical testing. Allele origin: germline.

GeneDx
Classification: Uncertain significance. Last evaluated: 2022-03-28. Review status: criteria provided, single submitter. Criteria: GeneDx Variant Classification Process June 2021. Collection method: clinical testing. Allele origin: germline. Affected: yes.
Comment: Observed with a second DYNC1H1 varaint in a patient with amyotrophic lateral sclerosis (Tripolszki et al., 2019); In silico analysis supports that this missense variant has a deleterious effect on protein structure/function; In silico analysis, which includes splice predictors and evolutionary conservation, suggests this variant may impact gene splicing. In the absence of RNA/functional studies, the actual effect of this sequence change is unknown.; This variant is associated with the following publications: (PMID: 26100331, 25609763, 25512093, 31475037)

Breakthrough Genomics
Classification: Uncertain significance. Review status: criteria provided, single submitter. Criteria: ACMG Guidelines, 2015. Collection method: not provided. Allele origin: germline. Inheritance: Autosomal dominant inheritance. Affected: yes.